The following is an entry in ClinVar:

ClinVar aggregate classification (germline): Pathogenic (1 of 4 stars; one submission).

Conditions:
Charcot-Marie-Tooth disease type 4. Also called: Charcot-Marie-Tooth, Type 4; Charcot-Marie-Tooth disease, type IV. Identifiers: Orphanet 64749, MedGen C4082197, MONDO:0018995.

Submission:

Labcorp Genetics (formerly Invitae), Labcorp
Classification: Pathogenic for Charcot-Marie-Tooth disease type 4. Last evaluated: 2025-08-23. Review status: criteria provided, single submitter. Criteria: Invitae Variant Classification Sherloc (09022015). Collection method: clinical testing. Allele origin: germline.
Comment: This sequence change creates a premature translational stop signal (p.Val525Cysfs*4) in the PRX gene. While this is not anticipated to result in nonsense mediated decay, it is expected to disrupt the last 937 amino acid(s) of the PRX protein. This variant is not present in population databases (gnomAD no frequency). This variant has not been reported in the literature in individuals affected with PRX-related conditions. This variant disrupts a region of the PRX protein in which other variant(s) (p.Gln1189Argfs*2) have been determined to be pathogenic (internal data). This suggests that this is a clinically significant region of the protein, and that variants that disrupt it are likely to be disease-causing. For these reasons, this variant has been classified as Pathogenic.

NM_181882.3(PRX):c.1572_1650del (p.Val525fs)

Gene: PRX (periaxin; minus strand). Cytogenetic location: 19q13.2.
Variant type: Deletion.
Coding change: c.1572_1650del on transcript NM_181882.3 (MANE Select); coding-DNA positions 1572 to 1650, 79 bases deleted.
Protein change: p.Val525fs; shifts the reading frame from valine 525.
Molecular consequence: frameshift variant. On other transcripts: 3 prime UTR variant (1).
Genome position (GRCh38, 1-based): chr19:40,396,702-40,396,780, 79 bases deleted. GRCh37 (hg19): chr19:40,902,611-40,902,689.
Other names: c.1857_1935del, p.Val620fs (NM_001411127.1); c.*1777_*1855del (NM_020956.2); short protein forms V620fs, V525fs.
Identifiers: ClinVar variation 4725896 (VCV004725896.1).